The following is an entry in ClinVar:

ClinVar aggregate classification (germline): Conflicting classifications of pathogenicity. Review status: criteria provided, conflicting classifications (1 of 4 stars). 3 submissions from 3 submitters: Likely pathogenic (1); Uncertain significance (2). Last evaluated 2026-03-18.

Conditions:
Mucopolysaccharidosis type 1. Also called: IDUA deficiency; MPS I; Mucopolysaccharidosis Type I. Identifiers: Orphanet 579, MedGen C0023786, MONDO:0001586.

Allele frequency attached by ClinVar (database versions not stated): TOPMed below 0.00001.

Submissions (3):

Dasa
Classification: Uncertain significance. Last evaluated: 2026-03-18. Review status: criteria provided, single submitter. Criteria: DASA Assertion Criteria. Collection method: clinical testing. Allele origin: germline.
Comment: NM_000203.5(IDUA):c.720C>G (p.His240Gln) is a missense variant that results in the substitution of histidine with glutamine. The affected residue or protein region has prior evidence supporting clinical relevance. This variant has been reported in individuals with IDUA-related disorders (PMID: 28728811). Also, this variant is rare in population databases. The currently available literature and clinical evidence are not sufficient to establish a definitive association between this variant and the reported condition. Therefore, this variant is classified as a variant of uncertain significance.

Labcorp Genetics (formerly Invitae), Labcorp
Classification: Likely pathogenic for Mucopolysaccharidosis type 1. Last evaluated: 2025-01-24. Review status: criteria provided, single submitter. Criteria: Invitae Variant Classification Sherloc (09022015). Collection method: clinical testing. Allele origin: germline.
Comment: This sequence change replaces histidine, which is basic and polar, with glutamine, which is neutral and polar, at codon 240 of the IDUA protein (p.His240Gln). This variant is not present in population databases (gnomAD no frequency). This missense change has been observed in individual(s) with deficient alpha-L-iduronidase enzyme activity in leukocytes (PMID: 28728811). ClinVar contains an entry for this variant (Variation ID: 1011483). Invitae Evidence Modeling of protein sequence and biophysical properties (such as structural, functional, and spatial information, amino acid conservation, physicochemical variation, residue mobility, and thermodynamic stability) indicates that this missense variant is expected to disrupt IDUA protein function with a positive predictive value of 95%. This variant disrupts the p.His240 amino acid residue in IDUA. Other variant(s) that disrupt this residue have been determined to be pathogenic (PMID: 11735025, 22976768, 31194252). This suggests that this residue is clinically significant, and that variants that disrupt this residue are likely to be disease-causing. In summary, the currently available evidence indicates that the variant is pathogenic, but additional data are needed to prove that conclusively. Therefore, this variant has been classified as Likely Pathogenic.

Revvity Omics, Revvity
Classification: Uncertain significance. Last evaluated: 2023-08-14. Review status: criteria provided, single submitter. Criteria: ACMG Guidelines, 2015. Collection method: clinical testing. Allele origin: germline.

Literature cited by the submitters: PubMed 28728811 (cited by Dasa and Labcorp Genetics (formerly Invitae), Labcorp); PubMed 11735025 (cited by Labcorp Genetics (formerly Invitae), Labcorp); PubMed 22976768 (cited by Labcorp Genetics (formerly Invitae), Labcorp); PubMed 31194252 (cited by Labcorp Genetics (formerly Invitae), Labcorp).

NM_000203.5(IDUA):c.720C>G (p.His240Gln)

Gene: IDUA (alpha-L-iduronidase; plus strand). Cytogenetic location: 4p16.3.
Variant type: single nucleotide variant.
Coding change: c.720C>G on transcript NM_000203.5 (MANE Select); coding-DNA position 720, C replaced by G.
Protein change: p.His240Gln; replaces histidine 240 with glutamine.
Molecular consequence: missense variant. On other transcripts: non-coding transcript variant (1).
Genome position (GRCh38, 1-based): chr4:1,001,809, C>G. VCF-style: chr4-1001809-C-G. GRCh37 (hg19) VCF-style: chr4-995597-C-G.
Other names: c.324C>G, p.His108Gln (NM_001363576.1); short protein forms H108Q, H240Q.
Identifiers: ClinVar variation 1011483 (VCV001011483.12), dbSNP rs1715096917, ClinGen allele CA355962130.